The following is an entry in ClinVar:

ClinVar aggregate classification (germline): Uncertain significance. Review status: criteria provided, multiple submitters, no conflicts (2 of 4 stars). 3 submissions from 3 submitters: Uncertain significance (3). Last evaluated 2026-03-24.

Conditions:
LRP4-related disorder. Also called: LRP4-related condition.
Sclerosteosis 2 (SOST2). Identifiers: Orphanet 3152, MedGen C3280402, MONDO:0013679, OMIM 614305.
Congenital myasthenic syndrome 17. Identifiers: Orphanet 590, MedGen C4225377, MONDO:0014578, OMIM 616304.
Cenani-Lenz syndactyly syndrome. Also called: CENANI SYNDACTYLISM; SYNDACTYLY, TYPE VII. Identifiers: Orphanet 3258, MedGen C1859309, MONDO:0008931, OMIM 212780.

Allele frequency attached by ClinVar (database versions not stated): gnomAD 0.00001; TOPMed 0.00001; ExAC 0.00003; gnomAD exomes 0.00004.
gnomAD v4.1: 32 of 1,611,742 alleles (0.002%); highest among the groups gnomAD compares: East Asian, 0.022%; no homozygotes.

Submissions (3):

PreventionGenetics, part of Exact Sciences
Classification: Uncertain significance for LRP4-related condition. Last evaluated: 2026-03-24. Review status: criteria provided, single submitter. Criteria: ACMG Guidelines, 2015. Collection method: clinical testing. Allele origin: germline.
Comment: The LRP4 c.547C>T variant is predicted to result in the amino acid substitution p.Pro183Ser. To our knowledge, this variant has not been reported in the literature. This variant is reported in 0.049% of alleles in individuals of East Asian descent in gnomAD. At this time, the clinical significance of this variant is uncertain due to the absence of conclusive functional and genetic evidence.

Labcorp Genetics (formerly Invitae), Labcorp
Classification: Uncertain significance for Cenani-Lenz syndactyly syndrome; Sclerosteosis 2; Congenital myasthenic syndrome 17. Last evaluated: 2022-08-23. Review status: criteria provided, single submitter. Criteria: Invitae Variant Classification Sherloc (09022015). Collection method: clinical testing. Allele origin: germline.
Comment: This sequence change replaces proline, which is neutral and non-polar, with serine, which is neutral and polar, at codon 183 of the LRP4 protein (p.Pro183Ser). This variant is present in population databases (rs765567296, gnomAD 0.05%). This variant has not been reported in the literature in individuals affected with LRP4-related conditions. ClinVar contains an entry for this variant (Variation ID: 1481441). Algorithms developed to predict the effect of missense changes on protein structure and function are either unavailable or do not agree on the potential impact of this missense change (SIFT: "Deleterious"; PolyPhen-2: "Benign"; Align-GVGD: "Class C0"). Algorithms developed to predict the effect of sequence changes on RNA splicing suggest that this variant may disrupt the consensus splice site. In summary, the available evidence is currently insufficient to determine the role of this variant in disease. Therefore, it has been classified as a Variant of Uncertain Significance.

Fulgent Genetics
Classification: Uncertain significance for Cenani-Lenz syndactyly syndrome; Sclerosteosis 2; Congenital myasthenic syndrome 17. Last evaluated: 2021-07-20. Review status: criteria provided, single submitter. Criteria: ACMG Guidelines, 2015. Collection method: clinical testing. Allele origin: unknown.

NM_002334.4(LRP4):c.547C>T (p.Pro183Ser)

Gene: LRP4 (LDL receptor related protein 4; minus strand). Cytogenetic location: 11p11.2.
Variant type: single nucleotide variant.
Coding change: c.547C>T on transcript NM_002334.4 (MANE Select); coding-DNA position 547, C replaced by T.
Protein change: p.Pro183Ser; replaces proline 183 with serine.
Molecular consequence: missense variant.
Genome position (GRCh38, 1-based): chr11:46,899,387, G>A on the plus strand (C>T on the coding strand, the complement: LRP4 is on the minus strand). VCF-style: chr11-46899387-G-A. GRCh37 (hg19) VCF-style: chr11-46920938-G-A.
Other names: short protein forms P183S.
Identifiers: ClinVar variation 1481441 (VCV001481441.5), dbSNP rs765567296, ClinGen allele CA5970471.